The following is an entry in ClinVar:

ClinVar aggregate classification (germline): Likely pathogenic (0 of 4 stars; one submission).

Conditions:
COL1A1-related disorder. Also called: COL1A1- related disease; COL1A1-related condition.

Submission:

PreventionGenetics, part of Exact Sciences
Classification: Likely pathogenic for COL1A1-related condition. Last evaluated: 2024-08-21. Review status: no assertion criteria provided. Collection method: clinical testing. Allele origin: germline.
Comment: The COL1A1 c.3490_3491delinsA variant is predicted to result in a frameshift and premature protein termination (p.Pro1164Thrfs*75). To our knowledge, this variant has not been reported in the literature or in a large population database, indicating this variant is rare. Frameshift variants in COL1A1 are expected to be pathogenic. This variant is interpreted as likely pathogenic.

NM_000088.4(COL1A1):c.3490_3491delinsA (p.Pro1164fs)

Gene: COL1A1 (collagen type I alpha 1 chain; minus strand). Cytogenetic location: 17q21.33.
Variant type: Indel.
Coding change: c.3490_3491delinsA on transcript NM_000088.4 (MANE Select); coding-DNA positions 3490 to 3491, CC replaced by A.
Protein change: p.Pro1164fs; shifts the reading frame from proline 1164.
Molecular consequence: frameshift variant.
Genome position (GRCh38, 1-based): chr17:50,187,055-50,187,056, GG replaced by T on the plus strand (CC replaced by A on the coding strand, the reverse complement: COL1A1 is on the minus strand). VCF-style: chr17-50187055-GG-T. GRCh37 (hg19) VCF-style: chr17-48264416-GG-T.
Other names: c.3490_3491delCCinsA, p.Pro1164Thrfs (NM_000088.3); short protein forms P1164fs.
Identifiers: ClinVar variation 3346365 (VCV003346365.1).